The following is an entry in ClinVar:

ClinVar aggregate classification (germline): Conflicting classifications of pathogenicity. Review status: criteria provided, conflicting classifications (1 of 4 stars). 6 submissions from 6 submitters: Likely pathogenic (2); Uncertain significance (3). 1 of the submissions does not count toward it. Last evaluated 2026-06-16.

Conditions:
Autosomal dominant Alport syndrome (ATS3A). Also called: ALPORT SYNDROME 3A, AUTOSOMAL DOMINANT; Alport syndrome dominant type; Renal failure and sensorineural hearing loss. Identifiers: Orphanet 63, Orphanet 88918, MedGen C5882663, MONDO:0007086, OMIM 104200.
Autosomal recessive Alport syndrome (ATS2). Also called: COL4A4 Alport Syndrome and Thin Basement Membrane Nephropathy; COL4A3-Related Nephropathy; ALPORT SYNDROME 2, AUTOSOMAL RECESSIVE; Alport syndrome type 2. Identifiers: Orphanet 63, Orphanet 88919, MedGen C4746745, MONDO:0008762, OMIM 203780.
Alport syndrome. Also called: Hemorrhagic familial nephritis; Hemorrhagic hereditary nephritis; Congenital hereditary hematuria. Identifiers: Orphanet 63, MedGen C1567741, MONDO:0018965.

Allele frequency attached by ClinVar (database versions not stated): TOPMed below 0.00001.
gnomAD v4.1: 8 of 1,614,076 alleles (0.0005%); highest among the groups gnomAD compares: African/African-American, 0.0013%; no homozygotes.

Submissions (6):

Myriad Genetics, Inc.
Classification: Uncertain significance for Alport syndrome. Last evaluated: 2026-06-16. Review status: criteria provided, single submitter. Criteria: Myriad Autosomal Dominant, Autosomal Recessive and X-Linked Classification Criteria (2023). Collection method: clinical testing. Allele origin: unknown.
Comment: NM_000092.4(COL4A4):c.3875G>A(G1292D) is a missense variant classified as a variant of uncertain significance in the context of Alport syndrome, COL4A4-related. G1292D has not been observed in cases with relevant disease. Relevant functional assessments of this variant are not available in the literature. G1292D has not been observed in referenced population frequency databases. In summary, there is insufficient evidence to classify NM_000092.4(COL4A4):c.3875G>A(G1292D) as pathogenic or benign. Please note: this variant was assessed in the context of healthy population screening.

Labcorp Genetics (formerly Invitae), Labcorp
Classification: Uncertain significance. Last evaluated: 2025-01-03. Review status: criteria provided, single submitter. Criteria: Invitae Variant Classification Sherloc (09022015). Collection method: clinical testing. Allele origin: germline.
Comment: This sequence change replaces glycine, which is neutral and non-polar, with aspartic acid, which is acidic and polar, at codon 1292 of the COL4A4 protein (p.Gly1292Asp). This variant is not present in population databases (gnomAD no frequency). This missense change has been observed in individual(s) with COL4A4-related conditions (PMID: 34400539). ClinVar contains an entry for this variant (Variation ID: 599122). Invitae Evidence Modeling of protein sequence and biophysical properties (such as structural, functional, and spatial information, amino acid conservation, physicochemical variation, residue mobility, and thermodynamic stability) indicates that this missense variant is expected to disrupt COL4A4 protein function with a positive predictive value of 95%. In summary, the available evidence is currently insufficient to determine the role of this variant in disease. Therefore, it has been classified as a Variant of Uncertain Significance.

3billion
Classification: Uncertain significance for Autosomal recessive Alport syndrome. Last evaluated: 2024-06-22. Review status: criteria provided, single submitter. Criteria: ACMG Guidelines, 2015. Collection method: clinical testing. Allele origin: germline. Affected: yes.
Comment: The variant is observed at an extremely low frequency in the gnomAD v4.0.0 dataset (total allele frequency: <0.001%). Predicted Consequence/Location: Missense variant In silico tool predictions suggest damaging effect of the variant on gene or gene product [REVEL: 0.93 (>=0.6, sensitivity 0.68 and specificity 0.92); 3Cnet: 0.90 (>=0.6, sensitivity 0.72 and precision 0.9)]. The same nucleotide change resulting in the same amino acid change has been previously reported to be associated with COL4A4 related disorder (ClinVar ID: VCV000599122). However, the evidence of pathogenicity is insufficient at this time. Therefore, this variant is classified as VUS according to the recommendation of ACMG/AMP guideline.

GeneDx
Classification: Likely pathogenic. Last evaluated: 2024-05-06. Review status: criteria provided, single submitter. Criteria: GeneDx Variant Classification Process June 2021. Collection method: clinical testing. Allele origin: germline. Affected: yes.
Comment: Identified in a patient with hematuria in published literature (PMID: 34400539); Affects a glycine residue in a Gly-X-Y motif in the triple helical region of the COL4A4 gene, where the majority of pathogenic missense variants occur, and is predicted to disrupt normal protein folding and function (HGMD; PMID: 10752524); Not observed in large population cohorts (gnomAD); In silico analysis supports that this missense variant has a deleterious effect on protein structure/function; This variant is associated with the following publications: (PMID: 10752524, 34400539)

Natera, Inc.
Classification: Likely pathogenic for Alport syndrome. Last evaluated: 2024-04-03. Review status: criteria provided, single submitter. Criteria: Natera Variant Classification Schema (03/2026). Collection method: clinical testing. Allele origin: germline.
Comment: The c.3875G>A variant in COL4A4 is a missense variant predicted to cause substitution of glycine to aspartic acid at amino acid 1292. This variant is rare in the general population with a frequency below the threshold expected for the associated phenotype(s). This variant is located in a functionally critical region of the protein. Computational prediction algorithms indicate this variant is likely to affect gene or protein function. Given the available evidence, this variant is classified as Likely Pathogenic.

Bioscientia Institut fuer Medizinische Diagnostik GmbH, Sonic Healthcare
Classification: Likely pathogenic for Autosomal dominant Alport syndrome. Last evaluated: 2018-05-17. Review status: no assertion criteria provided. Collection method: clinical testing. Allele origin: germline. Affected: yes. Not counted in ClinVar's aggregate classification.

Literature cited by the submitters: PubMed 34400539 (cited by Labcorp Genetics (formerly Invitae), Labcorp).

NM_000092.5(COL4A4):c.3875G>A (p.Gly1292Asp)

Gene: COL4A4 (collagen type IV alpha 4 chain; minus strand). Cytogenetic location: 2q36.3.
Variant type: single nucleotide variant.
Coding change: c.3875G>A on transcript NM_000092.5 (MANE Select); coding-DNA position 3875, G replaced by A.
Protein change: p.Gly1292Asp; replaces glycine 1292 with aspartic acid.
Molecular consequence: missense variant.
Genome position (GRCh38, 1-based): chr2:227,030,541, C>T on the plus strand (G>A on the coding strand, the complement: COL4A4 is on the minus strand). VCF-style: chr2-227030541-C-T. GRCh37 (hg19) VCF-style: chr2-227895257-C-T.
Other names: short protein forms G1292D.
Identifiers: ClinVar variation 599122 (VCV000599122.11), dbSNP rs971779449, ClinGen allele CA66559961.